The following is an entry in ClinVar:

ClinVar aggregate classification (germline): Uncertain significance. Review status: criteria provided, multiple submitters, no conflicts (2 of 4 stars). 3 submissions from 3 submitters: Uncertain significance (3). Last evaluated 2024-05-18.

Conditions:
Episodic ataxia type 1 (EA1). Also called: ATAXIA, EPISODIC, WITH MYOKYMIA; MYOKYMIA WITH PERIODIC ATAXIA; PAROXYSMAL ATAXIA WITH NEUROMYOTONIA, HEREDITARY; Episodic ataxia/myokymia syndrome. Identifiers: Orphanet 37612, Orphanet 972, MedGen C1719788, MONDO:0008047, OMIM 160120.

Allele frequency attached by ClinVar (database versions not stated): gnomAD exomes below 0.00001; ExAC 0.00001.

Submissions (3):

Labcorp Genetics (formerly Invitae), Labcorp
Classification: Uncertain significance for Episodic ataxia type 1. Last evaluated: 2024-05-18. Review status: criteria provided, single submitter. Criteria: Invitae Variant Classification Sherloc (09022015). Collection method: clinical testing. Allele origin: germline.
Comment: This sequence change replaces serine, which is neutral and polar, with glycine, which is neutral and non-polar, at codon 445 of the KCNA1 protein (p.Ser445Gly). This variant is present in population databases (rs768749436, gnomAD 0.003%). This variant has not been reported in the literature in individuals affected with KCNA1-related conditions. ClinVar contains an entry for this variant (Variation ID: 1351662). Advanced modeling of protein sequence and biophysical properties (such as structural, functional, and spatial information, amino acid conservation, physicochemical variation, residue mobility, and thermodynamic stability) performed at Invitae indicates that this missense variant is not expected to disrupt KCNA1 protein function with a negative predictive value of 95%. In summary, the available evidence is currently insufficient to determine the role of this variant in disease. Therefore, it has been classified as a Variant of Uncertain Significance.

Mayo Clinic Laboratories, Mayo Clinic
Classification: Uncertain significance. Last evaluated: 2023-02-16. Review status: criteria provided, single submitter. Criteria: ACMG Guidelines, 2015. Collection method: clinical testing. Allele origin: germline. Observed: 2 variant alleles.

Fulgent Genetics
Classification: Uncertain significance for Episodic ataxia type 1. Last evaluated: 2021-11-02. Review status: criteria provided, single submitter. Criteria: ACMG Guidelines, 2015. Collection method: clinical testing. Allele origin: unknown.

NM_000217.3(KCNA1):c.1333A>G (p.Ser445Gly)

Gene: KCNA1 (potassium voltage-gated channel subfamily A member 1; plus strand). Cytogenetic location: 12p13.32.
Variant type: single nucleotide variant.
Coding change: c.1333A>G on transcript NM_000217.3 (MANE Select); coding-DNA position 1333, A replaced by G.
Protein change: p.Ser445Gly; replaces serine 445 with glycine.
Molecular consequence: missense variant.
Genome position (GRCh38, 1-based): chr12:4,912,711, A>G. VCF-style: chr12-4912711-A-G. GRCh37 (hg19) VCF-style: chr12-5021877-A-G.
Other names: p.Ser445Gly; short protein forms S445G.
Identifiers: ClinVar variation 1351662 (VCV001351662.11), dbSNP rs768749436, ClinGen allele CA6399490.